The following is an entry in ClinVar:

NM_000038.6(APC):c.4588G>T (p.Glu1530Ter)

Gene: APC (APC regulator of Wnt signaling pathway; plus strand). Cytogenetic location: 5q22.2.
Variant type: single nucleotide variant.
Coding change: c.4588G>T on transcript NM_000038.6 (MANE Select); coding-DNA position 4588, G replaced by T.
Protein change: p.Glu1530Ter; replaces glutamic acid 1530 with a stop codon.
Molecular consequence: nonsense. On other transcripts: non-coding transcript variant (2).
Genome position (GRCh38, 1-based): chr5:112,840,182, G>T. VCF-style: chr5-112840182-G-T. GRCh37 (hg19) VCF-style: chr5-112175879-G-T.
Other names: c.4588G>T, p.Glu1530Ter (NM_001127510.3, NM_001354895.2, NM_001407450.1); c.4534G>T, p.Glu1512Ter (NM_001127511.3); c.4642G>T, p.Glu1548Ter (NM_001354896.2, NM_001407447.1, NM_001407448.1 and 1 more transcripts); c.4618G>T, p.Glu1540Ter (NM_001354897.2); c.4513G>T, p.Glu1505Ter (NM_001354898.2); c.4504G>T, p.Glu1502Ter (NM_001354899.2); c.4465G>T, p.Glu1489Ter (NM_001354900.2); c.4411G>T, p.Glu1471Ter (NM_001354901.2, NM_001407453.1); and 11 more; short protein forms E1146*, E1247*, E1370*, E1401*, E1404*, E1429*, E1439*, E1447*.
Identifiers: ClinVar variation 2584285 (VCV002584285.1), dbSNP rs1580649974, ClinGen allele CA16031379.

ClinVar aggregate classification (germline): Pathogenic (1 of 4 stars; one submission).

Conditions:
Familial adenomatous polyposis 1 (FAP1). Also called: FAMILIAL ADENOMATOUS POLYPOSIS 1, ATTENUATED; POLYPOSIS, ADENOMATOUS INTESTINAL. Identifiers: MedGen C2713442, MONDO:0021056, OMIM 175100. Disease mechanism: loss of function.

Submission:

Myriad Genetics, Inc.
Classification: Pathogenic for Familial adenomatous polyposis 1. Last evaluated: 2023-05-11. Review status: criteria provided, single submitter. Criteria: Myriad Autosomal Dominant, Autosomal Recessive and X-Linked Classification Criteria (2023). Collection method: clinical testing. Allele origin: unknown.
Comment: This variant is considered pathogenic. This variant creates a termination codon and is predicted to result in premature protein truncation.